The following is an entry in ClinVar:

NC_000019.9:g.(?_10940783)_(10941723_?)dup

Gene: DNM2 (dynamin 2; plus strand). Cytogenetic location: 19p13.2.
Variant type: Duplication.
Identifiers: ClinVar variation 2423457 (VCV002423457.4).

ClinVar aggregate classification (germline): Uncertain significance (1 of 4 stars; one submission).

Conditions:
Charcot-Marie-Tooth disease dominant intermediate B (CMTDIB). Also called: CHARCOT-MARIE-TOOTH NEUROPATHY, DOMINANT INTERMEDIATE B; Charcot-Marie-Tooth disease dominant intermediate 1; CMT DI1; Charcot-Marie-Tooth disease dominant intermediate I. Identifiers: Orphanet 100044, Orphanet 228179, MedGen C1847902, MONDO:0011674, OMIM 606482.

Submission:

Labcorp Genetics (formerly Invitae), Labcorp
Classification: Uncertain significance for Charcot-Marie-Tooth disease dominant intermediate B. Last evaluated: 2022-04-12. Review status: criteria provided, single submitter. Criteria: Invitae Variant Classification Sherloc (09022015). Collection method: clinical testing. Allele origin: germline.
Comment: This variant results in a copy number gain of the genomic region encompassing exon(s) 20-21 of the DNM2 gene. This region includes the termination codon of the gene. This copy number gain extends beyond the assayed region for this gene and therefore may encompass additional genes. As the precise location of this event is unknown, it may be in tandem or it may be located elsewhere in the genome. This variant has not been reported in the literature in individuals affected with DNM2-related conditions. Experimental studies and prediction algorithms are not available or were not evaluated, and the functional significance of this variant is currently unknown. In summary, the available evidence is currently insufficient to determine the role of this variant in disease. Therefore, it has been classified as a Variant of Uncertain Significance.